The following is an entry in ClinVar:

NM_020911.2(PLXNA4):c.1917A>G (p.Ser639=)

Gene: PLXNA4 (plexin A4; minus strand). Cytogenetic location: 7q32.3.
Variant type: single nucleotide variant.
Coding change: c.1917A>G on transcript NM_020911.2 (MANE Select); coding-DNA position 1917, A replaced by G.
Protein change: p.Ser639=; no amino-acid change (serine 639 retained).
Molecular consequence: synonymous variant.
Genome position (GRCh38, 1-based): chr7:132,226,226, T>C on the plus strand (A>G on the coding strand, the complement: PLXNA4 is on the minus strand). VCF-style: chr7-132226226-T-C. GRCh37 (hg19) VCF-style: chr7-131910985-T-C.
Other names: c.1917A>G, p.Ser639= (NM_001393897.1).
Identifiers: ClinVar variation 4995755 (VCV004995755.1).

ClinVar aggregate classification (germline): Likely benign (1 of 4 stars; one submission).

Conditions:
PLXNA4-related disorder. Also called: PLXNA4-related condition.

gnomAD v4.1: 1 of 1,613,788 alleles (0.000062%); highest among the groups gnomAD compares: Non-Finnish European, 0.000085%; no homozygotes.

Submission:

PreventionGenetics, part of Exact Sciences
Classification: Likely benign for PLXNA4-related condition. Last evaluated: 2026-07-02. Review status: criteria provided, single submitter. Criteria: ACMG Guidelines, 2015. Collection method: clinical testing. Allele origin: germline.
Comment: This variant is classified as likely benign based on ACMG/AMP sequence variant interpretation guidelines (Richards et al. 2015 PMID: 25741868, with internal and published modifications).